The following is an entry in ClinVar:

ClinVar aggregate classification (germline): Pathogenic (1 of 4 stars; one submission).

Submission:

CeGaT Center for Human Genetics Tuebingen
Classification: Pathogenic. Last evaluated: 2026-02-01. Review status: criteria provided, single submitter. Criteria: CeGaT Center For Human Genetics Tuebingen Variant Classification Criteria Version 2. Collection method: clinical testing. Allele origin: germline. Affected: yes. Observed: 1 variant allele.
Comment: TNRC6B: PVS1, PM2

NM_001162501.2(TNRC6B):c.1315G>T (p.Gly439Ter)

Gene: TNRC6B (trinucleotide repeat containing adaptor 6B; plus strand). Cytogenetic location: 22q13.1.
Variant type: single nucleotide variant.
Coding change: c.1315G>T on transcript NM_001162501.2 (MANE Select); coding-DNA position 1315, G replaced by T.
Protein change: p.Gly439Ter; replaces glycine 439 with a stop codon.
Molecular consequence: nonsense. On other transcripts: intron variant (1).
Genome position (GRCh38, 1-based): chr22:40,265,545, G>T. VCF-style: chr22-40265545-G-T. GRCh37 (hg19) VCF-style: chr22-40661549-G-T.
Other names: c.1315G>T, p.Gly439Ter (NM_015088.3); c.565+3372G>T (NM_001024843.2); short protein forms G439*.
Identifiers: ClinVar variation 4823271 (VCV004823271.4).
Genomic context (GRCh38, chr22:40,265,545, plus strand): 5'-ACTGGGAGTGTTGGATCTTGGGGTGCAGCTAGGGGGCCTTCTGGAACTGACACAGTCTCT[G>T]GACAAAGCAATTCTGGAAACAATGGGAACAATGGAAAAGAGAGAGAGGACTCCTGGAAAG-3'